The following is an entry in ClinVar:

ClinVar aggregate classification (germline): Uncertain significance (1 of 4 stars; one submission).

Submission:

Labcorp Genetics (formerly Invitae), Labcorp
Classification: Uncertain significance. Last evaluated: 2024-05-06. Review status: criteria provided, single submitter. Criteria: Invitae Variant Classification Sherloc (09022015). Collection method: clinical testing. Allele origin: germline.
Comment: This sequence change replaces proline, which is neutral and non-polar, with serine, which is neutral and polar, at codon 443 of the RORB protein (p.Pro443Ser). This variant is not present in population databases (gnomAD no frequency). This variant has not been reported in the literature in individuals affected with RORB-related conditions. An algorithm developed to predict the effect of missense changes on protein structure and function (PolyPhen-2) suggests that this variant is likely to be disruptive. In summary, the available evidence is currently insufficient to determine the role of this variant in disease. Therefore, it has been classified as a Variant of Uncertain Significance.

NM_006914.4(RORB):c.1327C>T (p.Pro443Ser)

Genes: RORB (RAR related orphan receptor B; plus strand), LOC124310566 (Sharpr-MPRA regulatory region 9792; plus strand). Cytogenetic location: 9q21.13.
Variant type: single nucleotide variant.
Coding change: c.1327C>T on transcript NM_006914.4 (MANE Select); coding-DNA position 1327, C replaced by T.
Protein change: p.Pro443Ser; replaces proline 443 with serine.
Molecular consequence: missense variant.
Genome position (GRCh38, 1-based): chr9:74,685,565, C>T. VCF-style: chr9-74685565-C-T. GRCh37 (hg19) VCF-style: chr9-77300481-C-T.
Other names: c.1360C>T, p.Pro454Ser (NM_001365023.1); short protein forms P443S, P454S.
Identifiers: ClinVar variation 2705500 (VCV002705500.3), dbSNP rs2489679705, ClinGen allele CA373772649.
Genomic context (GRCh38, chr9:74,685,565, plus strand): 5'-CACGGGGAGAAGCTGCAGGTATTTAAGCAATCTCATCCAGAGATAGTGAATACACTGTTT[C>T]CTCCGTTATACAAGGAGCTCTTTAATCCTGACTGTGCCACCGGCTGCAAATGAAGGGGAC-3'
Protein context (NP_008845.2, residues 433-453): SHPEIVNTLF[Pro443Ser]PLYKELFNPD